The following is an entry in ClinVar:

ClinVar aggregate classification (germline): Pathogenic (0 of 4 stars; one submission).

Conditions:
Dubin-Johnson syndrome (DJS). Also called: Jaundice, Chronic Idiopathic; Hyperbilirubinemia type 2; HYPERBILIRUBINEMIA, DUBIN-JOHNSON TYPE. Identifiers: Orphanet 234, MedGen C0022350, MONDO:0009380, OMIM 237500.

Submission:

Department of Pediatrics, 1st Faculty of Medicine, Charles University in Prague
Classification: Pathogenic for Dubin-Johnson syndrome. Review status: no assertion criteria provided. Collection method: clinical testing. Allele origin: germline. Inheritance: Autosomal recessive inheritance. Affected: yes.
Comment: Homozygous mutations cause the rare autosomal recessive inherited disease Dubin-Johnson syndrome. Clinical significance of this mutation is described in article to be submitted

Literature cited by the submitters: PubMed 26350512.

NM_000392.5(ABCC2):c.1013_1014del (p.Val338fs)

Gene: ABCC2 (ATP binding cassette subfamily C member 2; plus strand). Cytogenetic location: 10q24.2.
Variant type: Microsatellite.
Coding change: c.1013_1014del on transcript NM_000392.5 (MANE Select); coding-DNA positions 1013 to 1014, 2 bases deleted (TG; older notation c.1013_1014delTG).
Protein change: p.Val338fs; shifts the reading frame from valine 338.
Molecular consequence: frameshift variant.
Genome position (GRCh38, 1-based): chr10:99,799,352-99,799,353, TG deleted; deleting any 2 consecutive bases within chr10:99,799,350-99,799,353 gives the same sequence; the c. name uses the placement nearest the transcript's 3' end. VCF-style (leftmost placement, unchanged base first): chr10-99799349-TTG-T. GRCh37 (hg19) VCF-style: chr10-101559106-TTG-T.
Other names: short protein forms V338fs.
Identifiers: ClinVar variation 218946 (VCV000218946.3), dbSNP rs864309675, ClinGen allele CA278794.